The following is an entry in ClinVar:

NM_024665.7(TBL1XR1):c.316C>A (p.Gln106Lys)

Gene: TBL1XR1 (TBL1X/Y related 1; minus strand). Cytogenetic location: 3q26.32.
Variant type: single nucleotide variant.
Coding change: c.316C>A on transcript NM_024665.7 (MANE Select); coding-DNA position 316, C replaced by A.
Protein change: p.Gln106Lys; replaces glutamine 106 with lysine.
Molecular consequence: missense variant.
Genome position (GRCh38, 1-based): chr3:177,051,615, G>T on the plus strand (C>A on the coding strand, the complement: TBL1XR1 is on the minus strand). VCF-style: chr3-177051615-G-T. GRCh37 (hg19) VCF-style: chr3-176769403-G-T.
Other names: c.316C>A, p.Gln106Lys (NM_001321193.3, NM_001321194.3, NM_001374327.1 and 2 more transcripts); c.55C>A, p.Gln19Lys (NM_001321195.3, NM_001374330.1); short protein forms Q106K, Q19K.
Identifiers: ClinVar variation 1320803 (VCV001320803.3), dbSNP rs2108496974, ClinGen allele CA355553265.

ClinVar aggregate classification (germline): Uncertain significance (1 of 4 stars; one submission).

Submission:

GeneDx
Classification: Uncertain significance. Last evaluated: 2022-08-17. Review status: criteria provided, single submitter. Criteria: GeneDx Variant Classification Process June 2021. Collection method: clinical testing. Allele origin: germline. Affected: yes.
Comment: Not observed at significant frequency in large population cohorts (gnomAD); In silico analysis supports that this missense variant has a deleterious effect on protein structure/function; Has not been previously published as pathogenic or benign to our knowledge